The following is an entry in ClinVar:

ClinVar aggregate classification (germline): Uncertain significance (1 of 4 stars; one submission).

Conditions:
Hereditary pancreatitis (PCTT). Also called: Hereditary chronic pancreatitis; PRSS1-Related Hereditary Pancreatitis. Identifiers: Orphanet 676, MedGen C0238339, MONDO:0008185, OMIM 167800.

Submission:

Ambry Genetics
Classification: Uncertain significance for Hereditary pancreatitis. Last evaluated: 2023-12-18. Review status: criteria provided, single submitter. Criteria: Ambry Variant Classification Scheme 2023. Collection method: clinical testing. Allele origin: germline.
Comment: The p.E18D variant (also known as c.54G>C), located in coding exon 1 of the CPA1 gene, results from a G to C substitution at nucleotide position 54. The glutamic acid at codon 18 is replaced by aspartic acid, an amino acid with highly similar properties. This amino acid position is conserved. In addition, this alteration is predicted to be tolerated by in silico analysis. Since supporting evidence is limited at this time, the clinical significance of this alteration remains unclear.

NM_001868.4(CPA1):c.54G>C (p.Glu18Asp)

Gene: CPA1 (carboxypeptidase A1; plus strand). Cytogenetic location: 7q32.2.
Variant type: single nucleotide variant.
Coding change: c.54G>C on transcript NM_001868.4 (MANE Select); coding-DNA position 54, G replaced by C.
Protein change: p.Glu18Asp; replaces glutamic acid 18 with aspartic acid.
Molecular consequence: missense variant.
Genome position (GRCh38, 1-based): chr7:130,380,574, G>C. VCF-style: chr7-130380574-G-C. GRCh37 (hg19) VCF-style: chr7-130020415-G-C.
Other names: short protein forms E18D.
Identifiers: ClinVar variation 3221830 (VCV003221830.1), dbSNP rs2536002897, ClinGen allele CA369279095.